The following is an entry in ClinVar:

ClinVar aggregate classification (germline): Uncertain significance (1 of 4 stars; one submission).

Submission:

CeGaT Center for Human Genetics Tuebingen
Classification: Uncertain significance. Last evaluated: 2026-03-01. Review status: criteria provided, single submitter. Criteria: CeGaT Center For Human Genetics Tuebingen Variant Classification Criteria Version 2. Collection method: clinical testing. Allele origin: germline. Affected: yes. Observed: 1 variant allele.
Comment: THPO: PM2

NM_000460.4(THPO):c.51G>C (p.Arg17Ser)

Gene: THPO (thrombopoietin; minus strand). Cytogenetic location: 3q27.1.
Variant type: single nucleotide variant.
Coding change: c.51G>C on transcript NM_000460.4 (MANE Select); coding-DNA position 51, G replaced by C.
Protein change: p.Arg17Ser; replaces arginine 17 with serine.
Molecular consequence: missense variant.
Genome position (GRCh38, 1-based): chr3:184,375,978, C>G on the plus strand (G>C on the coding strand, the complement: THPO is on the minus strand). VCF-style: chr3-184375978-C-G. GRCh37 (hg19) VCF-style: chr3-184093766-C-G.
Other names: c.51G>C, p.Arg17Ser (NM_001177597.2, NM_001177598.2, NM_001289997.1 and 5 more transcripts); c.471G>C, p.Arg157Ser (NM_001290003.1); short protein forms R157S, R17S.
Identifiers: ClinVar variation 4823818 (VCV004823818.4).